The following is an entry in ClinVar:

NM_000059.4(BRCA2):c.1593dup (p.Glu532fs)

Gene: BRCA2 (BRCA2 DNA repair associated; plus strand). Cytogenetic location: 13q13.1.
Variant type: Duplication.
Coding change: c.1593dup on transcript NM_000059.4 (MANE Select); coding-DNA position 1593, one base duplicated (A; older notation c.1593dupA).
Protein change: p.Glu532fs; shifts the reading frame from glutamic acid 532.
Molecular consequence: frameshift variant.
Genome position (GRCh38, 1-based): chr13:32,333,071, A duplicated; the last of 6 consecutive A bases (chr13:32,333,066-32,333,071); duplicating any one gives the same sequence. VCF-style (leftmost placement, unchanged base first): chr13-32333065-T-TA. GRCh37 (hg19) VCF-style: chr13-32907202-T-TA.
Other names: 1821insA; c.1593dupA (NM_000059.3); short protein forms E532fs.
Identifiers: ClinVar variation 37748 (VCV000037748.20), dbSNP rs397507272, ClinGen allele CA012525.

ClinVar aggregate classification (germline): Pathogenic. Review status: reviewed by expert panel (3 of 4 stars). 7 submissions from 7 submitters: Pathogenic (1). 6 of the submissions do not count toward it. Last evaluated 2016-09-08.

Conditions:
Hereditary cancer-predisposing syndrome. Also called: Tumor predisposition; Neoplastic Syndromes, Hereditary; Hereditary neoplastic syndrome; Hereditary Cancer Syndrome. Identifiers: Orphanet 140162, MedGen C0027672, MeSH D009386, MONDO:0015356.
Hereditary breast ovarian cancer syndrome. Also called: Hereditary breast and ovarian cancer; Hereditary breast and ovarian cancer syndrome (HBOC); Hereditary breast and/or ovarian cancer syndrome; Breast and ovarian cancer; Hereditary breast and ovarian cancer syndrome; BRCA1- and BRCA2-Associated Hereditary Breast and Ovarian Cancer. Identifiers: Orphanet 145, MedGen C0677776, MeSH D061325, MONDO:0003582. Disease mechanism: loss of function.
Breast-ovarian cancer, familial, susceptibility to, 2 (BROVCA2). Also called: BRCA2 Hereditary Breast and Ovarian Cancer. Identifiers: Orphanet 145, MedGen C2675520, MONDO:0012933, OMIM 612555. Disease mechanism: loss of function.

Submissions (7):

Evidence-based Network for the Interpretation of Germline Mutant Alleles (ENIGMA)
Classification: Pathogenic for Breast-ovarian cancer, familial, susceptibility to, 2. Last evaluated: 2016-09-08. Review status: reviewed by expert panel. Criteria: ENIGMA BRCA1/2 Classification Criteria (2015). Collection method: curation. Allele origin: germline.
Comment: Variant allele predicted to encode a truncated non-functional protein.

Molecular Pathology, Peter Maccallum Cancer Centre
Classification: Pathogenic for Breast-ovarian cancer, familial, susceptibility to, 2. Last evaluated: 2024-08-13. Review status: criteria provided, single submitter. Criteria: ACMG Guidelines, 2015. Collection method: clinical testing. Allele origin: germline. Inheritance: Autosomal dominant inheritance. Not counted in ClinVar's aggregate classification.

Labcorp Genetics (formerly Invitae), Labcorp
Classification: Pathogenic for Hereditary breast ovarian cancer syndrome. Last evaluated: 2024-01-02. Review status: criteria provided, single submitter. Criteria: Invitae Variant Classification Sherloc (09022015). Collection method: clinical testing. Allele origin: germline. Not counted in ClinVar's aggregate classification.
Comment: This sequence change creates a premature translational stop signal (p.Glu532Argfs*3) in the BRCA2 gene. It is expected to result in an absent or disrupted protein product. Loss-of-function variants in BRCA2 are known to be pathogenic (PMID: 20104584). This variant is not present in population databases (gnomAD no frequency). This premature translational stop signal has been observed in individual(s) with a personal or family history of breast and/or ovarian cancer (PMID: 21120943, 24549055). ClinVar contains an entry for this variant (Variation ID: 37748). For these reasons, this variant has been classified as Pathogenic.

Ambry Genetics
Classification: Pathogenic for Hereditary cancer-predisposing syndrome. Last evaluated: 2022-05-23. Review status: criteria provided, single submitter. Criteria: Ambry Variant Classification Scheme 2023. Collection method: clinical testing. Allele origin: germline. Not counted in ClinVar's aggregate classification.
Comment: The c.1593dupA pathogenic mutation, located in coding exon 9 of the BRCA2 gene, results from a duplication of A at nucleotide position 1593, causing a translational frameshift with a predicted alternate stop codon (p.K531Kfs*4). This alteration is expected to result in loss of function by premature protein truncation or nonsense-mediated mRNA decay. As such, this alteration is interpreted as a disease-causing mutation.

Quest Diagnostics Nichols Institute San Juan Capistrano
Classification: Pathogenic. Last evaluated: 2018-04-06. Review status: criteria provided, single submitter. Criteria: Quest Diagnostics criteria. Collection method: clinical testing. Allele origin: germline. Not counted in ClinVar's aggregate classification.

Consortium of Investigators of Modifiers of BRCA1/2 (CIMBA), c/o University of Cambridge
Classification: Pathogenic for Breast-ovarian cancer, familial, susceptibility to, 2. Last evaluated: 2015-10-02. Review status: criteria provided, single submitter. Criteria: CIMBA Mutation Classification guidelines May 2016. Collection method: clinical testing. Allele origin: germline. Not counted in ClinVar's aggregate classification.

Sharing Clinical Reports Project (SCRP)
Classification: Pathogenic for Breast-ovarian cancer, familial 2. Last evaluated: 2008-09-01. Review status: no assertion criteria provided. Collection method: clinical testing. Allele origin: germline. Not counted in ClinVar's aggregate classification.

Literature cited by the submitters: PubMed 20104584 (cited by Labcorp Genetics (formerly Invitae), Labcorp); PubMed 21120943 (cited by Labcorp Genetics (formerly Invitae), Labcorp); PubMed 24549055 (cited by Labcorp Genetics (formerly Invitae), Labcorp); PubMed 20858050 (cited by Ambry Genetics).